The following is an entry in ClinVar:

ClinVar aggregate classification (germline): Uncertain significance. Review status: criteria provided, multiple submitters, no conflicts (2 of 4 stars). 3 submissions from 3 submitters: Uncertain significance (3). Last evaluated 2025-07-31.

Conditions:
Neurofibromatosis, type 1 (NF1). Also called: Neurofibromatosis, type I; VON RECKLINGHAUSEN DISEASE; NEUROFIBROMATOSIS, TYPE I, SOMATIC; Peripheral type neurofibromatosis. Identifiers: Orphanet 636, MedGen C0027831, MONDO:0018975, OMIM 162200. Disease mechanism: loss of function.

Allele frequency attached by ClinVar (database versions not stated): gnomAD exomes below 0.00001; ExAC 0.00001.

Submissions (3):

Labcorp Genetics (formerly Invitae), Labcorp
Classification: Uncertain significance for Neurofibromatosis, type 1. Last evaluated: 2025-07-31. Review status: criteria provided, single submitter. Criteria: Invitae Variant Classification Sherloc (09022015). Collection method: clinical testing. Allele origin: germline.
Comment: This sequence change replaces proline, which is neutral and non-polar, with serine, which is neutral and polar, at codon 2495 of the NF1 protein (p.Pro2495Ser). This variant is present in population databases (rs753977783, gnomAD 0.0009%). This variant has not been reported in the literature in individuals affected with NF1-related conditions. ClinVar contains an entry for this variant (Variation ID: 996412). Invitae Evidence Modeling of protein sequence and biophysical properties (such as structural, functional, and spatial information, amino acid conservation, physicochemical variation, residue mobility, and thermodynamic stability) indicates that this missense variant is not expected to disrupt NF1 protein function with a negative predictive value of 95%. In summary, the available evidence is currently insufficient to determine the role of this variant in disease. Therefore, it has been classified as a Variant of Uncertain Significance.

Genome-Nilou Lab
Classification: Uncertain significance for Neurofibromatosis, type 1. Last evaluated: 2022-03-15. Review status: criteria provided, single submitter. Criteria: ACMG Guidelines, 2015. Collection method: clinical testing. Allele origin: germline. Affected: no.

Genome Diagnostics Laboratory, The Hospital for Sick Children
Classification: Uncertain significance for Neurofibromatosis, type 1. Last evaluated: 2020-10-26. Review status: criteria provided, single submitter. Criteria: ACMG Guidelines, 2015. Collection method: clinical testing. Allele origin: germline. Affected: yes.

NM_001042492.3(NF1):c.7546C>T (p.Pro2516Ser)

Gene: NF1 (neurofibromin 1; plus strand). Cytogenetic location: 17q11.2.
Variant type: single nucleotide variant.
Coding change: c.7546C>T on transcript NM_001042492.3 (MANE Select); coding-DNA position 7546, C replaced by T.
Protein change: p.Pro2516Ser; replaces proline 2516 with serine.
Molecular consequence: missense variant.
Genome position (GRCh38, 1-based): chr17:31,352,345, C>T. VCF-style: chr17-31352345-C-T. GRCh37 (hg19) VCF-style: chr17-29679363-C-T.
Other names: c.7483C>T, p.Pro2495Ser (NM_000267.4); short protein forms P2495S, P2516S.
Identifiers: ClinVar variation 996412 (VCV000996412.10), dbSNP rs753977783, ClinGen allele CA8487607.